The following is an entry in ClinVar:

NM_144687.4(NLRP12):c.3149T>A (p.Leu1050His)

Gene: NLRP12 (NLR family pyrin domain containing 12; minus strand). Cytogenetic location: 19q13.42.
Variant type: single nucleotide variant.
Coding change: c.3149T>A on transcript NM_144687.4 (MANE Select); coding-DNA position 3149, T replaced by A.
Protein change: p.Leu1050His; replaces leucine 1050 with histidine.
Molecular consequence: missense variant.
Genome position (GRCh38, 1-based): chr19:53,794,086, A>T on the plus strand (T>A on the coding strand, the complement: NLRP12 is on the minus strand). VCF-style: chr19-53794086-A-T. GRCh37 (hg19) VCF-style: chr19-54297340-A-T.
Other names: c.3152T>A, p.Leu1051His (NM_001277126.2); c.2978T>A, p.Leu993His (NM_001277129.1); short protein forms L1051H, L1050H, L993H.
Identifiers: ClinVar variation 2085777 (VCV002085777.4), dbSNP rs2514195770, ClinGen allele CA407407208.

ClinVar aggregate classification (germline): Uncertain significance (1 of 4 stars; one submission).

Conditions:
Familial cold autoinflammatory syndrome 2 (FCAS2). Identifiers: Orphanet 247868, MedGen C2673198, MONDO:0012724, OMIM 611762.

Submission:

Labcorp Genetics (formerly Invitae), Labcorp
Classification: Uncertain significance for Familial cold autoinflammatory syndrome 2. Last evaluated: 2022-07-19. Review status: criteria provided, single submitter. Criteria: Invitae Variant Classification Sherloc (09022015). Collection method: clinical testing. Allele origin: germline.
Comment: In summary, the available evidence is currently insufficient to determine the role of this variant in disease. Therefore, it has been classified as a Variant of Uncertain Significance. Algorithms developed to predict the effect of missense changes on protein structure and function are either unavailable or do not agree on the potential impact of this missense change (SIFT: "Deleterious"; PolyPhen-2: "Probably Damaging"; Align-GVGD: "Class C0"). This variant has not been reported in the literature in individuals affected with NLRP12-related conditions. This variant is not present in population databases (gnomAD no frequency). This sequence change replaces leucine, which is neutral and non-polar, with histidine, which is basic and polar, at codon 1050 of the NLRP12 protein (p.Leu1050His).